The following is an entry in ClinVar:

NM_030928.4(CDT1):c.686+5G>C

Gene: CDT1 (chromatin licensing and DNA replication factor 1; plus strand). Cytogenetic location: 16q24.3.
Variant type: single nucleotide variant.
Coding change: c.686+5G>C on transcript NM_030928.4 (MANE Select); 5 bases into the intron after coding-DNA position 686, G replaced by C.
Molecular consequence: intron variant.
Genome position (GRCh38, 1-based): chr16:88,805,642, G>C. VCF-style: chr16-88805642-G-C. GRCh37 (hg19) VCF-style: chr16-88872050-G-C.
Identifiers: ClinVar variation 1465909 (VCV001465909.6), dbSNP rs755695035, ClinGen allele CA8233755.

ClinVar aggregate classification (germline): Uncertain significance (1 of 4 stars; one submission).

Allele frequency attached by ClinVar (database versions not stated): gnomAD exomes 0.00001; ExAC 0.00002.
gnomAD v4.1: 11 of 1,612,678 alleles (0.00068%); highest among the groups gnomAD compares: South Asian, 0.012%; no homozygotes.

Submission:

Labcorp Genetics (formerly Invitae), Labcorp
Classification: Uncertain significance. Last evaluated: 2021-08-09. Review status: criteria provided, single submitter. Criteria: Invitae Variant Classification Sherloc (09022015). Collection method: clinical testing. Allele origin: germline.
Comment: Nucleotide substitutions within the consensus splice site are a relatively common cause of aberrant splicing (PMID: 17576681, 9536098). Algorithms developed to predict the effect of sequence changes on RNA splicing suggest that this variant may disrupt the consensus splice site, but this prediction has not been confirmed by published transcriptional studies. This sequence change falls in intron 4 of the CDT1 gene. It does not directly change the encoded amino acid sequence of the CDT1 protein. It affects a nucleotide within the consensus splice site of the intron. This variant is present in population databases (rs755695035, ExAC 0.01%). This variant has not been reported in the literature in individuals with CDT1-related conditions. In summary, the available evidence is currently insufficient to determine the role of this variant in disease. Therefore, it has been classified as a Variant of Uncertain Significance.

Literature cited by the submitters: PubMed 17576681; PubMed 9536098.